The following is an entry in ClinVar:

NM_004700.4(KCNQ4):c.1573G>A (p.Asp525Asn)

Gene: KCNQ4 (potassium voltage-gated channel subfamily Q member 4; plus strand). Cytogenetic location: 1p34.2.
Variant type: single nucleotide variant.
Coding change: c.1573G>A on transcript NM_004700.4 (MANE Select); coding-DNA position 1573, G replaced by A.
Protein change: p.Asp525Asn; replaces aspartic acid 525 with asparagine.
Molecular consequence: missense variant.
Genome position (GRCh38, 1-based): chr1:40,833,073, G>A. VCF-style: chr1-40833073-G-A. GRCh37 (hg19) VCF-style: chr1-41298745-G-A.
Other names: c.1411G>A, p.Asp471Asn (NM_172163.3); short protein forms D471N, D525N.
Identifiers: ClinVar variation 2627493 (VCV002627493.2), dbSNP rs771129024, ClinGen allele CA794932.

ClinVar aggregate classification (germline): Uncertain significance. Review status: criteria provided, multiple submitters, no conflicts (2 of 4 stars). 2 submissions from 2 submitters: Uncertain significance (2). Last evaluated 2022-05-27.

Conditions:
Autosomal dominant nonsyndromic hearing loss 2A. Also called: DFNA2 Nonsyndromic Hearing Loss; Deafness, autosomal dominant 2A; Autosomal dominant nonsyndromic deafness 2A. Identifiers: Orphanet 90635, MedGen C2677637, MONDO:0010817, OMIM 600101.

Allele frequency attached by ClinVar (database versions not stated): ExAC 0.00001; gnomAD 0.00001; TOPMed 0.00001; gnomAD exomes 0.00002.
gnomAD v4.1: 22 of 1,612,966 alleles (0.0014%); highest among the groups gnomAD compares: East Asian, 0.0022%; no homozygotes.

Submissions (2):

Blueprint Genetics
Classification: Uncertain significance. Last evaluated: 2022-05-27. Review status: criteria provided, single submitter. Criteria: ACMG Guidelines, 2015. Collection method: clinical testing. Allele origin: germline.

Neuberg Centre For Genomic Medicine, NCGM
Classification: Uncertain significance for Autosomal dominant nonsyndromic hearing loss 2A. Review status: criteria provided, single submitter. Criteria: ACMG Guidelines, 2015. Collection method: clinical testing. Allele origin: germline. Inheritance: Autosomal dominant inheritance. Affected: yes.
Comment: The missense variant p.D525N in KCNQ4 (NM_004700.4) has not been reported previously as a pathogenic variant nor as a benign variant, to our knowledge.The missense variant c.1573G>A (p.D525N) in KCNQ4 (NM_004700.4) is observed in 1/30616 (0.0033%) alleles from individuals of South Asian background in the gnomAD dataset (Exome Aggregation Consortium et al., 2016), but was not seen in the homozygous state.The p.D525N missense variant is predicted to be damaging by both SIFT and PolyPhen2. The nucleotide c.1573 in KCNQ4 is predicted conserved by GERP++ and PhyloP across 100 vertebrates. For these reasons, this variant has been classified as Uncertain Significance.